The following is an entry in ClinVar:

NM_206933.4(USH2A):c.13907C>T (p.Pro4636Leu)

Gene: USH2A (usherin; minus strand). Cytogenetic location: 1q41.
Variant type: single nucleotide variant.
Coding change: c.13907C>T on transcript NM_206933.4 (MANE Select); coding-DNA position 13907, C replaced by T.
Protein change: p.Pro4636Leu; replaces proline 4636 with leucine.
Molecular consequence: missense variant.
Genome position (GRCh38, 1-based): chr1:215,671,198, G>A on the plus strand (C>T on the coding strand, the complement: USH2A is on the minus strand). VCF-style: chr1-215671198-G-A. GRCh37 (hg19) VCF-style: chr1-215844540-G-A.
Other names: short protein forms P4636L.
Identifiers: ClinVar variation 848821 (VCV000848821.8), dbSNP rs150600947, ClinGen allele CA1393180.
Genomic context (GRCh38, chr1:215,671,198, plus strand): 5'-AAAAGAGAAACAGTTGGCTGGAATCCTCCTGGAGCCATTTGTACCTCCAGATGTGGAGGG[G>A]GTTGCATCAAAGGTGCAATCTCAGGGGTCTGTATGAATGTCCAGTCACTTGATGCACATC-3'
Protein context (NP_996816.3, residues 4626-4646): QTPEIAPLMQ[Pro4636Leu]PPHLEVQMAP

ClinVar aggregate classification (germline): Uncertain significance. Review status: criteria provided, single submitter (1 of 4 stars). 2 submissions from 2 submitters: Uncertain significance (1). 1 of the submissions does not count toward it. Last evaluated 2021-08-26.

Conditions:
Usher syndrome type 2A. Also called: RETINAL DISEASE IN USHER SYNDROME TYPE IIA, MODIFIER OF; USHER SYNDROME, TYPE IIA. Identifiers: Orphanet 231178, Orphanet 886, MedGen C1848634, MONDO:0010169, OMIM 276901.

Allele frequency attached by ClinVar (database versions not stated): ExAC 0.00002; TOPMed 0.00002; ESP Exome Variant Server 0.00008.
gnomAD v4.1: 11 of 1,614,104 alleles (0.00068%); highest among the groups gnomAD compares: Non-Finnish European, 0.00076%; no homozygotes.

Submissions (2):

Labcorp Genetics (formerly Invitae), Labcorp
Classification: Uncertain significance. Last evaluated: 2021-08-26. Review status: criteria provided, single submitter. Criteria: Invitae Variant Classification Sherloc (09022015). Collection method: clinical testing. Allele origin: germline.
Comment: This sequence change replaces proline with leucine at codon 4636 of the USH2A protein (p.Pro4636Leu). The proline residue is highly conserved and there is a moderate physicochemical difference between proline and leucine. This variant is present in population databases (rs150600947, ExAC 0.003%). This variant has not been reported in the literature in individuals affected with USH2A-related conditions. Algorithms developed to predict the effect of missense changes on protein structure and function output the following: SIFT: "Deleterious"; PolyPhen-2: "Benign"; Align-GVGD: "Class C65". The leucine amino acid residue is found in multiple mammalian species, which suggests that this missense change does not adversely affect protein function. In summary, the available evidence is currently insufficient to determine the role of this variant in disease. Therefore, it has been classified as a Variant of Uncertain Significance.

Natera, Inc.
Classification: Uncertain significance for Usher syndrome type 2A. Last evaluated: 2020-09-16. Review status: no assertion criteria provided. Collection method: clinical testing. Allele origin: germline. Not counted in ClinVar's aggregate classification.